The following is an entry in ClinVar:

NM_020964.3(EPG5):c.4184_4205+5del

Gene: EPG5 (ectopic P-granules 5 autophagy tethering factor; minus strand). Cytogenetic location: 18q21.1.
Variant type: Deletion.
Coding change: c.4184_4205+5del on transcript NM_020964.3 (MANE Select); coding-DNA position 4184 through 5 bases into the intron after coding-DNA position 4205, 27 bases deleted (AACTGCACAAGGAGCTGGTGAGGTGAG).
Molecular consequence: splice donor variant.
Genome position (GRCh38, 1-based): chr18:45,910,516-45,910,542, CTCACCTCACCAGCTCCTTGTGCAGTT deleted on the plus strand (AACTGCACAAGGAGCTGGTGAGGTGAG on the coding strand, the reverse complement: EPG5 is on the minus strand); deleting any 27 consecutive bases within chr18:45,910,516-45,910,544 gives the same sequence; the c. name uses the placement nearest the transcript's 3' end. VCF-style (leftmost placement, unchanged base first): chr18-45910515-ACTCACCTCACCAGCTCCTTGTGCAGTT-A. GRCh37 (hg19) VCF-style: chr18-43490480-ACTCACCTCACCAGCTCCTTGTGCAGTT-A.
Other names: c.4184_4205+5del (NM_001410858.1, NM_001410859.1).
Identifiers: ClinVar variation 2843747 (VCV002843747.3), dbSNP rs2511775323, ClinGen allele CA2739268686.
Genomic context (GRCh38, chr18:45,910,515, plus strand): 5'-TTAACTGCTCCAGCATAGTACCTGTGCTGCAAACAACAATGTAGGTGGCTAAATAACCAT[ACTCACCTCACCAGCTCCTTGTGCAGTT>A]CTGGTGAAGTCAGGTAACCAGGGGTGCCAGAGTGGCTCTCTGGCAGCCCTTCACTGCCCT-3'

ClinVar aggregate classification (germline): Likely pathogenic (1 of 4 stars; one submission).

Conditions:
Vici syndrome (VICIS). Identifiers: Orphanet 1493, MedGen C1855772, MONDO:0009452, OMIM 242840.

Submission:

Labcorp Genetics (formerly Invitae), Labcorp
Classification: Likely pathogenic for Vici syndrome. Last evaluated: 2023-03-08. Review status: criteria provided, single submitter. Criteria: Invitae Variant Classification Sherloc (09022015). Collection method: clinical testing. Allele origin: germline.
Comment: In summary, the currently available evidence indicates that the variant is pathogenic, but additional data are needed to prove that conclusively. Therefore, this variant has been classified as Likely Pathogenic. Algorithms developed to predict the effect of sequence changes on RNA splicing suggest that this variant may disrupt the consensus splice site. This variant has not been reported in the literature in individuals affected with EPG5-related conditions. This variant is not present in population databases (gnomAD no frequency). This variant results in the deletion of part of exon 23 (c.4184_4205+5del) of the EPG5 gene. It is expected to disrupt RNA splicing. Variants that disrupt the donor or acceptor splice site typically lead to a loss of protein function (PMID: 16199547), and loss-of-function variants in EPG5 are known to be pathogenic (PMID: 23222957, 23674064).

Literature cited by the submitters: PubMed 16199547; PubMed 23222957; PubMed 23674064.